The following is an entry in ClinVar:

NM_001013838.3(CARMIL2):c.3181G>T (p.Glu1061Ter)

Gene: CARMIL2 (capping protein regulator and myosin 1 linker 2; plus strand). Cytogenetic location: 16q22.1.
Variant type: single nucleotide variant.
Coding change: c.3181G>T on transcript NM_001013838.3 (MANE Select); coding-DNA position 3181, G replaced by T.
Protein change: p.Glu1061Ter; replaces glutamic acid 1061 with a stop codon.
Molecular consequence: nonsense.
Genome position (GRCh38, 1-based): chr16:67,654,209, G>T. VCF-style: chr16-67654209-G-T. GRCh37 (hg19) VCF-style: chr16-67688112-G-T.
Other names: c.3073G>T, p.Glu1025Ter (NM_001317026.3); short protein forms E1025*, E1061*.
Identifiers: ClinVar variation 3643489 (VCV003643489.2).
Genomic context (GRCh38, chr16:67,654,209, plus strand): 5'-GTACCCCCAGCCTTGCCGCAGGAAGGGAATGGGCTCAGTGCCCGCGTGGACGAGGGCGTG[G>T]AGGAATTCTTCTCCAAAAGGCTGATCCAGCAGGATCGCCTGTGAGTGAGGGGCATCTGCT-3'

ClinVar aggregate classification (germline): Pathogenic (1 of 4 stars; one submission).

Submission:

Labcorp Genetics (formerly Invitae), Labcorp
Classification: Pathogenic. Last evaluated: 2024-02-27. Review status: criteria provided, single submitter. Criteria: Invitae Variant Classification Sherloc (09022015). Collection method: clinical testing. Allele origin: germline.
Comment: This sequence change creates a premature translational stop signal (p.Glu1061*) in the CARMIL2 gene. It is expected to result in an absent or disrupted protein product. Loss-of-function variants in CARMIL2 are known to be pathogenic (PMID: 27647349, 28112205). This variant is not present in population databases (gnomAD no frequency). This variant has not been reported in the literature in individuals affected with CARMIL2-related conditions. For these reasons, this variant has been classified as Pathogenic.

Literature cited by the submitters: PubMed 27647349; PubMed 28112205.